The following is an entry in ClinVar:

NM_212552.3(BOLA3):c.54+12C>G

Gene: BOLA3 (bolA family member 3; minus strand). Cytogenetic location: 2p13.1.
Variant type: single nucleotide variant.
Coding change: c.54+12C>G on transcript NM_212552.3 (MANE Select); 12 bases into the intron after coding-DNA position 54, C replaced by G.
Molecular consequence: intron variant.
Genome position (GRCh38, 1-based): chr2:74,147,809, G>C on the plus strand (C>G on the coding strand, the complement: BOLA3 is on the minus strand). VCF-style: chr2-74147809-G-C. GRCh37 (hg19) VCF-style: chr2-74374936-G-C.
Other names: c.54+12C>G (NM_001035505.2).
Identifiers: ClinVar variation 516412 (VCV000516412.9), dbSNP rs995996267, ClinGen allele CA50435997.
Genomic context (GRCh38, chr2:74,147,809, plus strand): 5'-CAGCCGCCGGCCCCGCGGTCCCTCCGCAGCTCCCGTCCCGGGGAGAGCAGCCCCGACCCT[G>C]CCCACGCTCACCCCGCGGATCCCGCGGAGGAGAGGCGCTGCCGCGGCCGGGCTCCATGCA-3'

ClinVar aggregate classification (germline): Benign/Likely benign. Review status: criteria provided, multiple submitters, no conflicts (2 of 4 stars). 2 submissions from 2 submitters: Benign (1); Likely benign (1). Last evaluated 2025-08-11.

Allele frequency attached by ClinVar (database versions not stated): 1000 Genomes Project 30x 0.00047; gnomAD 0.00121 and 0.00125; TOPMed 0.00131.
gnomAD v4.1: 375 of 1,529,180 alleles (0.025%); highest among the groups gnomAD compares: African/African-American, 0.43%; 3 homozygotes.

Submissions (2):

Labcorp Genetics (formerly Invitae), Labcorp
Classification: Benign. Last evaluated: 2025-08-11. Review status: criteria provided, single submitter. Criteria: Invitae Variant Classification Sherloc (09022015). Collection method: clinical testing. Allele origin: germline.

GeneDx
Classification: Likely benign. Last evaluated: 2017-05-01. Review status: criteria provided, single submitter. Criteria: GeneDx Variant Classification (06012015). Collection method: clinical testing. Allele origin: germline. Affected: yes.
Comment: This variant is considered likely benign or benign based on one or more of the following criteria: it is a conservative change, it occurs at a poorly conserved position in the protein, it is predicted to be benign by multiple in silico algorithms, and/or has population frequency not consistent with disease.